The following is an entry in ClinVar:

NM_003072.5(SMARCA4):c.4885G>A (p.Asp1629Asn)

Gene: SMARCA4 (SWI/SNF related BAF chromatin remodeling complex subunit ATPase 4; plus strand). Cytogenetic location: 19p13.2.
Variant type: single nucleotide variant.
Coding change: c.4885G>A on transcript NM_003072.5 (MANE Select); coding-DNA position 4885, G replaced by A.
Protein change: p.Asp1629Asn; replaces aspartic acid 1629 with asparagine.
Molecular consequence: missense variant. On other transcripts: non-coding transcript variant (1).
Genome position (GRCh38, 1-based): chr19:11,060,161, G>A. VCF-style: chr19-11060161-G-A. GRCh37 (hg19) VCF-style: chr19-11170837-G-A.
Other names: c.4885G>A, p.Asp1629Asn (NM_001128844.3); c.4795G>A, p.Asp1599Asn (NM_001128845.2); c.4792G>A, p.Asp1598Asn (NM_001128846.2); c.4786G>A, p.Asp1596Asn (NM_001128847.4, NM_001374457.1); c.4783G>A, p.Asp1595Asn (NM_001128848.2); c.4981G>A, p.Asp1661Asn (NM_001128849.3, NM_001387283.1); short protein forms D1661N, D1598N, D1596N, D1599N, D1629N, D1595N.
Identifiers: ClinVar variation 470428 (VCV000470428.22), dbSNP rs374648988, ClinGen allele CA305298966.

ClinVar aggregate classification (germline): Conflicting classifications of pathogenicity. Review status: criteria provided, conflicting classifications (1 of 4 stars). 8 submissions from 8 submitters: Uncertain significance (5); Likely benign (2). 1 of the submissions does not count toward it. Last evaluated 2026-07-08.

Conditions:
Intellectual disability, autosomal dominant 16 (CSS4). Also called: COFFIN-SIRIS SYNDROME 4. Identifiers: Orphanet 1465, MedGen C3553249, MONDO:0013821, OMIM 614609.
SMARCA4-related disorder. Also called: SMARCA4-related condition.
Hereditary cancer-predisposing syndrome. Also called: Tumor predisposition; Neoplastic Syndromes, Hereditary; Hereditary Cancer Syndrome; Hereditary neoplastic syndrome. Identifiers: Orphanet 140162, MedGen C0027672, MeSH D009386, MONDO:0015356.
Rhabdoid tumor predisposition syndrome 2 (RTPS2). Identifiers: Orphanet 231108, Orphanet 69077, MedGen C2750074, MONDO:0013224, OMIM 613325.

Allele frequency attached by ClinVar (database versions not stated): gnomAD 0.00001; gnomAD exomes 0.00006 and 0.00001; TOPMed 0.00002; ESP Exome Variant Server 0.00009.
gnomAD v4.1: 79 of 1,551,054 alleles (0.0051%); highest among the groups gnomAD compares: Non-Finnish European, 0.0065%; no homozygotes.

Submissions (8):

Myriad Genetics, Inc.
Classification: Likely benign for Rhabdoid tumor predisposition syndrome 2. Last evaluated: 2026-07-08. Review status: criteria provided, single submitter. Criteria: Myriad Autosomal Dominant, Autosomal Recessive and X-Linked Classification Criteria (2023). Collection method: clinical testing. Allele origin: unknown.
Comment: This variant is considered likely benign. This variant has been observed at a population frequency that is significantly greater than expected given the associated disease prevalence and penetrance.

Labcorp Genetics (formerly Invitae), Labcorp
Classification: Uncertain significance for Rhabdoid tumor predisposition syndrome 2. Last evaluated: 2025-12-09. Review status: criteria provided, single submitter. Criteria: Invitae Variant Classification Sherloc (09022015). Collection method: clinical testing. Allele origin: germline.
Comment: This sequence change replaces aspartic acid, which is acidic and polar, with asparagine, which is neutral and polar, at codon 1661 of the SMARCA4 protein (p.Asp1661Asn). This variant is present in population databases (rs374648988, gnomAD 0.004%). This variant has not been reported in the literature in individuals affected with SMARCA4-related conditions. ClinVar contains an entry for this variant (Variation ID: 470428). Invitae Evidence Modeling of protein sequence and biophysical properties (such as structural, functional, and spatial information, amino acid conservation, physicochemical variation, residue mobility, and thermodynamic stability) indicates that this missense variant is not expected to disrupt SMARCA4 protein function with a negative predictive value of 95%. In summary, the available evidence is currently insufficient to determine the role of this variant in disease. Therefore, it has been classified as a Variant of Uncertain Significance.

GeneDx
Classification: Uncertain significance. Last evaluated: 2023-06-23. Review status: criteria provided, single submitter. Criteria: GeneDx Variant Classification Process June 2021. Collection method: clinical testing. Allele origin: germline. Affected: yes.
Comment: In silico analysis supports that this missense variant does not alter protein structure/function; Has not been previously published as pathogenic or benign to our knowledge

Quest Diagnostics Nichols Institute San Juan Capistrano
Classification: Uncertain significance. Last evaluated: 2022-05-17. Review status: criteria provided, single submitter. Criteria: Quest Diagnostics criteria. Collection method: clinical testing. Allele origin: unknown.
Comment: The variant has not been reported in the published literature. The frequency of this variant in the general population, 0.000033 (2/59720 chromosomes), is uninformative in assessment of its pathogenicity. Analysis of this variant using bioinformatics tools for the prediction of the effect of amino acid changes on protein structure and function yielded predictions that this variant is benign. Based on the available information, we are unable to determine the clinical significance of this variant.

Sema4
Classification: Uncertain significance for Hereditary cancer-predisposing syndrome. Last evaluated: 2021-09-20. Review status: criteria provided, single submitter. Criteria: Sema4 Curation Guidelines. Collection method: curation. Allele origin: germline.
Comment: The SMARCA4 c.4981G>A (p.D1661N) variant has not been reported in the literature to our knowledge. This variant was observed in 2/56532 chromosomes in the Non-Finnish European population according to the Genome Aggregation Database (PMID: 32461654). The variant has been reported in ClinVar (Variation ID 470428). Functional studies have not been performed, and in silico predictions of the variant's effect on protein function are inconclusive. The evidence is insufficient to meet ACMG/AMP criteria for classifying the variant as benign or pathogenic. Thus, the clinical significance of this variant is currently uncertain.

Genome-Nilou Lab
Classification: Uncertain significance for Intellectual disability, autosomal dominant 16. Last evaluated: 2021-07-15. Review status: criteria provided, single submitter. Criteria: ACMG Guidelines, 2015. Collection method: clinical testing. Allele origin: germline. Affected: no.

Ambry Genetics
Classification: Likely benign for Hereditary cancer-predisposing syndrome. Last evaluated: 2021-03-04. Review status: criteria provided, single submitter. Criteria: Ambry Variant Classification Scheme 2023. Collection method: clinical testing. Allele origin: germline.

PreventionGenetics, part of Exact Sciences
Classification: Uncertain significance for SMARCA4-related condition. Last evaluated: 2024-09-05. Review status: no assertion criteria provided. Collection method: clinical testing. Allele origin: germline. Not counted in ClinVar's aggregate classification.
Comment: The SMARCA4 c.4981G>A variant is predicted to result in the amino acid substitution p.Asp1661Asn. To our knowledge, this variant has not been reported in the literature. This variant is reported in 0.0033% of alleles in individuals of European (Non-Finnish) descent in gnomAD. This variant is interpreted as a variant of uncertain significance by majority of submitters in ClinVar. At this time, the clinical significance of this variant is uncertain due to the absence of conclusive functional and genetic evidence.